The following is an entry in ClinVar:

NM_001366521.1(ATP2B1):c.1721_1722del (p.Lys574fs)

Gene: ATP2B1 (ATPase plasma membrane Ca2+ transporting 1; minus strand). Cytogenetic location: 12q21.33.
Variant type: Deletion.
Coding change: c.1721_1722del on transcript NM_001366521.1 (MANE Select); coding-DNA positions 1721 to 1722, 2 bases deleted (AA; older notation c.1721_1722delAA).
Protein change: p.Lys574fs; shifts the reading frame from lysine 574.
Molecular consequence: frameshift variant. On other transcripts: non-coding transcript variant (3).
Genome position (GRCh38, 1-based): chr12:89,620,106-89,620,107, TT deleted on the plus strand (AA on the coding strand, the reverse complement: ATP2B1 is on the minus strand); deleting any 2 consecutive bases within chr12:89,620,106-89,620,108 gives the same sequence; the c. name uses the placement nearest the transcript's 3' end. VCF-style (leftmost placement, unchanged base first): chr12-89620105-CTT-C. GRCh37 (hg19) VCF-style: chr12-90013882-CTT-C.
Other names: c.1721_1722del, p.Lys574fs (NM_001001323.2, NM_001366520.1, NM_001366522.1 and 12 more transcripts); c.1523_1524del, p.Lys508fs (NM_001366530.1, NM_001413053.1); c.1160_1161del, p.Lys387fs (NM_001366531.1, NM_001366532.1, NM_001413058.1 and 2 more transcripts); c.1682_1683del, p.Lys561fs (NM_001413048.1); c.1580_1581del, p.Lys527fs (NM_001413051.1, NM_001413052.1, NM_001413055.1); c.1478_1479del, p.Lys493fs (NM_001413054.1); c.1466_1467del, p.Lys489fs (NM_001413056.1); c.1268_1269del, p.Lys423fs (NM_001413057.1); short protein forms K387fs, K423fs, K489fs, K493fs, K508fs, K527fs, K561fs, K574fs.
Identifiers: ClinVar variation 4886542 (VCV004886542.2).
Genomic context (GRCh38, chr12:89,620,105, plus strand): 5'-TTCCATCTGAATTTTTCAGGACAGTACTCATGGACTTCCTAACAGAATTGAAGGTGTAGA[CTT>C]TGTACAGTGCTTCTTCTGGTATTTCATTTCTAACATCCTGATAATCCCGTTTTAAATCCA-3'

ClinVar aggregate classification (germline): Likely pathogenic (1 of 4 stars; one submission).

Submission:

Dasa
Classification: Likely pathogenic. Last evaluated: 2026-02-21. Review status: criteria provided, single submitter. Criteria: DASA Assertion Criteria. Collection method: clinical testing. Allele origin: germline.
Comment: NM_001366521.1(ATP2B1):c.1721_1722del (p.Lys574Serfs*8) is a frameshift variant in ATP2B1 predicted to alter the reading frame and introduce a premature termination codon and is predicted to result in an absent or altered protein product. Loss of function is an established disease mechanism for ATP2B1-associated disorders. Also, this variant is rare in population databases. Based on the currently available evidence, this variant is classified as likely pathogenic.